The following is an entry in ClinVar:

ClinVar aggregate classification (germline): Likely benign (1 of 4 stars; one submission).

gnomAD v4.1: 709 of 1,562,528 alleles (0.045%); highest among the groups gnomAD compares: Admixed American, 1.4%; 6 homozygotes.

Submission:

CeGaT Center for Human Genetics Tuebingen
Classification: Likely benign. Last evaluated: 2026-08-01. Review status: criteria provided, single submitter. Criteria: CeGaT Center For Human Genetics Tuebingen Variant Classification Criteria Version 2. Collection method: clinical testing. Allele origin: germline. Affected: yes. Observed: 1 variant allele.
Comment: DBF4: BS1

NM_006716.4(DBF4):c.572A>C (p.Lys191Thr)

Gene: DBF4 (DBF4-CDC7 kinase regulatory subunit; plus strand). Cytogenetic location: 7q21.12.
Variant type: single nucleotide variant.
Coding change: c.572A>C on transcript NM_006716.4 (MANE Select); coding-DNA position 572, A replaced by C.
Protein change: p.Lys191Thr; replaces lysine 191 with threonine.
Molecular consequence: missense variant. On other transcripts: 5 prime UTR variant (3).
Genome position (GRCh38, 1-based): chr7:87,888,034, A>C. VCF-style: chr7-87888034-A-C. GRCh37 (hg19) VCF-style: chr7-87517349-A-C.
Other names: c.-21A>C (NM_001318060.2); c.-101A>C (NM_001318061.2); c.-148A>C (NM_001318062.2); short protein forms K191T.
Identifiers: ClinVar variation 5038794 (VCV005038794.1).